The following is an entry in ClinVar:

ClinVar aggregate classification (germline): Uncertain significance (1 of 4 stars; one submission).

Submission:

Labcorp Genetics (formerly Invitae), Labcorp
Classification: Uncertain significance. Last evaluated: 2022-01-28. Review status: criteria provided, single submitter. Criteria: Invitae Variant Classification Sherloc (09022015). Collection method: clinical testing. Allele origin: germline.
Comment: Algorithms developed to predict the effect of sequence changes on RNA splicing suggest that this variant may disrupt the consensus splice site. This sequence change falls in intron 6 of the LZTR1 gene. It does not directly change the encoded amino acid sequence of the LZTR1 protein. This variant is not present in population databases (gnomAD no frequency). This variant has not been reported in the literature in individuals affected with LZTR1-related conditions. In summary, the available evidence is currently insufficient to determine the role of this variant in disease. Therefore, it has been classified as a Variant of Uncertain Significance.

NM_006767.4(LZTR1):c.594-5T>G

Gene: LZTR1 (leucine zipper like post translational regulator 1; plus strand). Cytogenetic location: 22q11.21.
Variant type: single nucleotide variant.
Coding change: c.594-5T>G on transcript NM_006767.4 (MANE Select); 5 bases into the intron before coding-DNA position 594, T replaced by G.
Molecular consequence: intron variant.
Genome position (GRCh38, 1-based): chr22:20,989,620, T>G. VCF-style: chr22-20989620-T-G. GRCh37 (hg19) VCF-style: chr22-21343909-T-G.
Identifiers: ClinVar variation 2091053 (VCV002091053.4), dbSNP rs2518614831, ClinGen allele CA2580099192.